The following is an entry in ClinVar:

NM_004771.4(MMP20):c.92C>T (p.Pro31Leu)

Gene: MMP20 (matrix metallopeptidase 20; minus strand). Cytogenetic location: 11q22.2.
Variant type: single nucleotide variant.
Coding change: c.92C>T on transcript NM_004771.4 (MANE Select); coding-DNA position 92, C replaced by T.
Protein change: p.Pro31Leu; replaces proline 31 with leucine.
Molecular consequence: missense variant.
Genome position (GRCh38, 1-based): chr11:102,625,228, G>A on the plus strand (C>T on the coding strand, the complement: MMP20 is on the minus strand). VCF-style: chr11-102625228-G-A. GRCh37 (hg19) VCF-style: chr11-102495959-G-A.
Other names: short protein forms P31L.
Identifiers: ClinVar variation 301957 (VCV000301957.33), dbSNP rs61730847, ClinGen allele CA6248585.
Genomic context (GRCh38, chr11:102,625,228, plus strand): 5'-AAGGAATTGGGCAAAAATTCACAAACCTGTGCGAGGCGGTAGTTGTTCCTCCAGGTCCTG[G>A]GGGAGGCTGCAACTAGGGAGGGGGCTGCAGTGGAAAACTTCAAAGCCATGATGAGGAAGA-3'
Protein context (NP_004762.2, residues 21-41): TAAPSLVAAS[Pro31Leu]RTWRNNYRLA

ClinVar aggregate classification (germline): Conflicting classifications of pathogenicity. Review status: criteria provided, conflicting classifications (1 of 4 stars). 3 submissions from 3 submitters: Uncertain significance (1); Likely benign (2). Last evaluated 2022-10-01.

Conditions:
Amelogenesis imperfecta hypomaturation type 2A2. Also called: Amelogenesis imperfecta, hypomaturation type, IIA2; AMELOGENESIS IMPERFECTA, PIGMENTED HYPOMATURATION TYPE, 2; Amelogenesis imperfecta, type IIA2. Identifiers: Orphanet 88661, MedGen C2675858, MONDO:0012926, OMIM 612529. Disease mechanism: loss of function.

Allele frequency attached by ClinVar (database versions not stated): 1000 Genomes Project 0.00280; 1000 Genomes Project 30x 0.00312; gnomAD exomes 0.00465; TOPMed 0.00489; ESP Exome Variant Server 0.00654.
gnomAD v4.1: 11,742 of 1,613,970 alleles (0.73%); highest among the groups gnomAD compares: Non-Finnish European, 0.9%; 53 homozygotes.

Submissions (3):

CeGaT Center for Human Genetics Tuebingen
Classification: Likely benign. Last evaluated: 2022-10-01. Review status: criteria provided, single submitter. Criteria: CeGaT Center For Human Genetics Tuebingen Variant Classification Criteria Version 2. Collection method: clinical testing. Allele origin: germline. Affected: yes. Observed: 1 variant allele.
Comment: MMP20: BP4, BS2

Labcorp Genetics (formerly Invitae), Labcorp
Classification: Likely benign. Last evaluated: 2019-12-31. Review status: criteria provided, single submitter. Criteria: Invitae Variant Classification Sherloc (09022015). Collection method: clinical testing. Allele origin: germline.

Illumina Laboratory Services, Illumina
Classification: Uncertain significance for Amelogenesis imperfecta hypomaturation type 2A2. Last evaluated: 2018-01-12. Review status: criteria provided, single submitter. Criteria: ICSL Variant Classification Criteria 13 December 2019. Collection method: clinical testing. Allele origin: germline.